The following is an entry in ClinVar:

ClinVar aggregate classification (germline): Uncertain significance. Review status: criteria provided, multiple submitters, no conflicts (2 of 4 stars). 2 submissions from 2 submitters: Uncertain significance (2). Last evaluated 2025-03-08.

Conditions:
Inborn genetic diseases. Identifiers: MedGen C0950123, MeSH D030342.

Allele frequency attached by ClinVar (database versions not stated): TOPMed 0.00003; gnomAD exomes 0.00004 and 0.00006; gnomAD 0.00006; ExAC 0.00008.

Submissions (2):

Ambry Genetics
Classification: Uncertain significance for Inborn genetic diseases. Last evaluated: 2025-03-08. Review status: criteria provided, single submitter. Criteria: Ambry Variant Classification Scheme 2023. Collection method: clinical testing. Allele origin: germline.

Labcorp Genetics (formerly Invitae), Labcorp
Classification: Uncertain significance. Last evaluated: 2022-07-12. Review status: criteria provided, single submitter. Criteria: Invitae Variant Classification Sherloc (09022015). Collection method: clinical testing. Allele origin: germline.
Comment: This sequence change replaces glycine, which is neutral and non-polar, with aspartic acid, which is acidic and polar, at codon 202 of the DDRGK1 protein (p.Gly202Asp). This variant is present in population databases (rs764358126, gnomAD 0.01%). This variant has not been reported in the literature in individuals affected with DDRGK1-related conditions. ClinVar contains an entry for this variant (Variation ID: 1363417). Algorithms developed to predict the effect of missense changes on protein structure and function are either unavailable or do not agree on the potential impact of this missense change (SIFT: "Not Available"; PolyPhen-2: "Probably Damaging"; Align-GVGD: "Not Available"). In summary, the available evidence is currently insufficient to determine the role of this variant in disease. Therefore, it has been classified as a Variant of Uncertain Significance.

NM_023935.3(DDRGK1):c.605G>A (p.Gly202Asp)

Gene: DDRGK1 (DDRGK domain containing 1; minus strand). Cytogenetic location: 20p13.
Variant type: single nucleotide variant.
Coding change: c.605G>A on transcript NM_023935.3 (MANE Select); coding-DNA position 605, G replaced by A.
Protein change: p.Gly202Asp; replaces glycine 202 with aspartic acid.
Molecular consequence: missense variant.
Genome position (GRCh38, 1-based): chr20:3,195,259, C>T on the plus strand (G>A on the coding strand, the complement: DDRGK1 is on the minus strand). VCF-style: chr20-3195259-C-T. GRCh37 (hg19) VCF-style: chr20-3175905-C-T.
Other names: c.605G>A (NM_023935.1); short protein forms G202D.
Identifiers: ClinVar variation 1363417 (VCV001363417.10), dbSNP rs764358126, ClinGen allele CA9740867.
Genomic context (GRCh38, chr20:3,195,259, plus strand): 5'-AGAGAGGGGCTTCCCAGGGGCAGCAGGCCCACCTGTTCCTCAGTCATGGTCTCTCCTACG[C>T]CTTCCTCCTCCACCACAAAGGCCTCCTTCAGTTTCAGGTACTCCTCATGCTCCCGCTGGG-3'
Protein context (NP_076424.1, residues 192-212): LKEAFVVEEE[Gly202Asp]VGETMTEEQS